The following is an entry in ClinVar:

ClinVar aggregate classification (germline): Uncertain significance (1 of 4 stars; one submission).

Conditions:
MHC class I deficiency. Identifiers: Orphanet 34592, MedGen C6024714, MONDO:0011476.

Allele frequency attached by ClinVar (database versions not stated): TOPMed 0.00001; gnomAD exomes 0.00002; ExAC 0.00003.
gnomAD v4.1: 25 of 1,577,612 alleles (0.0016%); highest among the groups gnomAD compares: Admixed American, 0.0037%; no homozygotes.

Submission:

Labcorp Genetics (formerly Invitae), Labcorp
Classification: Uncertain significance for MHC class I deficiency 1. Last evaluated: 2021-12-12. Review status: criteria provided, single submitter. Criteria: Invitae Variant Classification Sherloc (09022015). Collection method: clinical testing. Allele origin: germline.
Comment: This sequence change replaces isoleucine, which is neutral and non-polar, with threonine, which is neutral and polar, at codon 477 of the TAP1 protein (p.Ile477Thr). This variant is present in population databases (rs745839027, gnomAD 0.004%). This variant has not been reported in the literature in individuals affected with TAP1-related conditions. Algorithms developed to predict the effect of missense changes on protein structure and function (SIFT, PolyPhen-2, Align-GVGD) all suggest that this variant is likely to be tolerated. In summary, the available evidence is currently insufficient to determine the role of this variant in disease. Therefore, it has been classified as a Variant of Uncertain Significance.

NM_000593.6(TAP1):c.1250T>C (p.Ile417Thr)

Gene: TAP1 (transporter 1, ATP binding cassette subfamily B member; minus strand). Cytogenetic location: 6p21.32.
Variant type: single nucleotide variant.
Coding change: c.1250T>C on transcript NM_000593.6 (MANE Select); coding-DNA position 1250, T replaced by C.
Protein change: p.Ile417Thr; replaces isoleucine 417 with threonine.
Molecular consequence: missense variant.
Genome position (GRCh38, 1-based): chr6:32,849,117, A>G on the plus strand (T>C on the coding strand, the complement: TAP1 is on the minus strand). VCF-style: chr6-32849117-A-G. GRCh37 (hg19) VCF-style: chr6-32816894-A-G.
Other names: c.647T>C, p.Ile216Thr (NM_001292022.2); short protein forms I216T, I417T.
Identifiers: ClinVar variation 2168403 (VCV002168403.1), dbSNP rs745839027, ClinGen allele CA3746821.
Genomic context (GRCh38, chr6:32,849,117, plus strand): 5'-CCACTGGTCACCAGCTGCCCACCAATGTAGAGGATTCCCACTTTCAGCAGCATACCTGAA[A>G]TCTATAAAGAGACCACAAAAAAAGGGACTGAGGTAGAGAAATCTGGAGGGGACACAAAGA-3'
Protein context (NP_000584.3, residues 407-427): AYAVNSWTTS[Ile417Thr]SGMLLKVGIL